The following is an entry in ClinVar:

ClinVar aggregate classification (germline): Pathogenic (1 of 4 stars; one submission).

Submission:

GeneDx
Classification: Pathogenic. Last evaluated: 2022-01-20. Review status: criteria provided, single submitter. Criteria: GeneDx Variant Classification Process June 2021. Collection method: clinical testing. Allele origin: germline. Affected: yes.
Comment: Identified as an apparently de novo variant in a patient who underwent whole exome sequencing and considered to be a diagnostic finding; however clinical information was not provided (Baker et al., 2019); Frameshift variant predicted to result in protein truncation, as the last 580 amino acids are replaced with 12 different amino acids, and other loss-of-function variants have been reported downstream in HGMD; Not observed at significant frequency in large population cohorts (gnomAD); This variant is associated with the following publications: (PMID: 30577886, 30245513)

NM_006766.5(KAT6A):c.4273_4274del (p.Val1425fs)

Gene: KAT6A (lysine acetyltransferase 6A; minus strand). Cytogenetic location: 8p11.21.
Variant type: Deletion.
Coding change: c.4273_4274del on transcript NM_006766.5 (MANE Select); coding-DNA positions 4273 to 4274, 2 bases deleted (GT; older notation c.4273_4274delGT).
Protein change: p.Val1425fs; shifts the reading frame from valine 1425.
Molecular consequence: frameshift variant.
Genome position (GRCh38, 1-based): chr8:41,933,946-41,933,947, AC deleted on the plus strand (GT on the coding strand, the reverse complement: KAT6A is on the minus strand); deleting any 2 consecutive bases within chr8:41,933,946-41,933,948 gives the same sequence; the c. name uses the placement nearest the transcript's 3' end. VCF-style (leftmost placement, unchanged base first): chr8-41933945-TAC-T. GRCh37 (hg19) VCF-style: chr8-41791463-TAC-T.
Other names: short protein forms V1425fs.
Identifiers: ClinVar variation 1699609 (VCV001699609.2), dbSNP rs2150856278, ClinGen allele CA2580078493.